The following is an entry in ClinVar:

NM_006514.4(SCN10A):c.1762G>A (p.Asp588Asn)

Gene: SCN10A (sodium voltage-gated channel alpha subunit 10; minus strand). Cytogenetic location: 3p22.2.
Variant type: single nucleotide variant.
Coding change: c.1762G>A on transcript NM_006514.4 (MANE Select); coding-DNA position 1762, G replaced by A.
Protein change: p.Asp588Asn; replaces aspartic acid 588 with asparagine.
Molecular consequence: missense variant.
Genome position (GRCh38, 1-based): chr3:38,750,178, C>T on the plus strand (G>A on the coding strand, the complement: SCN10A is on the minus strand). VCF-style: chr3-38750178-C-T. GRCh37 (hg19) VCF-style: chr3-38791669-C-T.
Other names: c.1762G>A, p.Asp588Asn (NM_001293306.2); c.1468G>A, p.Asp490Asn (NM_001293307.2); c.1762G>A (NM_006514.2); short protein forms D588N, D490N.
Identifiers: ClinVar variation 407758 (VCV000407758.18), dbSNP rs747486328, ClinGen allele CA2320751.
Genomic context (GRCh38, chr3:38,750,178, plus strand): 5'-GGGCCCGGAAAGGTTCATCTAAGTATTCTGCTGACAAGAAAGTCTTCTTTTGTCCTGCAT[C>T]GAATGCCTGTTGAGACACAAACAGAGTCAGGACGCTCCTTTAACCTGACATCTTCATGGC-3'
Protein context (NP_006505.4, residues 578-598): APGAVDVSAF[Asp588Asn]AGQKKTFLSA

ClinVar aggregate classification (germline): Conflicting classifications of pathogenicity. Review status: criteria provided, conflicting classifications (1 of 4 stars). 3 submissions from 3 submitters: Uncertain significance (2); Likely benign (1). Last evaluated 2025-01-26.

Conditions:
Cardiovascular phenotype. Identifiers: MedGen CN230736.
Brugada syndrome. Also called: Sudden unexpected nocturnal death syndrome; Sudden unexplained nocturnal death syndrome; Sudden Unexplained Death Syndrome; Sudden Unexplained Nocturnal Death Syndrome (SUNDS). Identifiers: Orphanet 130, MedGen C1142166, MONDO:0015263.

Allele frequency attached by ClinVar (database versions not stated): gnomAD 0.00002 and 0.00004; ExAC 0.00004; gnomAD exomes 0.00004; TOPMed 0.00004.
gnomAD v4.1: 32 of 1,604,534 alleles (0.002%); highest among the groups gnomAD compares: Admixed American, 0.017%; no homozygotes.

Submissions (3):

Labcorp Genetics (formerly Invitae), Labcorp
Classification: Uncertain significance for Brugada syndrome. Last evaluated: 2025-01-26. Review status: criteria provided, single submitter. Criteria: Invitae Variant Classification Sherloc (09022015). Collection method: clinical testing. Allele origin: germline.
Comment: This sequence change replaces aspartic acid, which is acidic and polar, with asparagine, which is neutral and polar, at codon 588 of the SCN10A protein (p.Asp588Asn). This variant is present in population databases (rs747486328, gnomAD 0.02%). This variant has not been reported in the literature in individuals affected with SCN10A-related conditions. ClinVar contains an entry for this variant (Variation ID: 407758). Invitae Evidence Modeling of protein sequence and biophysical properties (such as structural, functional, and spatial information, amino acid conservation, physicochemical variation, residue mobility, and thermodynamic stability) indicates that this missense variant is not expected to disrupt SCN10A protein function with a negative predictive value of 95%. In summary, the available evidence is currently insufficient to determine the role of this variant in disease. Therefore, it has been classified as a Variant of Uncertain Significance.

Ambry Genetics
Classification: Likely benign for Cardiovascular phenotype. Last evaluated: 2023-08-03. Review status: criteria provided, single submitter. Criteria: Ambry Variant Classification Scheme 2023. Collection method: clinical testing. Allele origin: germline.

Breakthrough Genomics
Classification: Uncertain significance. Review status: criteria provided, single submitter. Criteria: ACMG Guidelines, 2015. Collection method: not provided. Allele origin: germline. Inheritance: Autosomal dominant inheritance. Affected: yes.